The following is an entry in ClinVar:

NM_013275.6(ANKRD11):c.6698G>A (p.Gly2233Glu)

Gene: ANKRD11 (ankyrin repeat domain 11; minus strand). Cytogenetic location: 16q24.3.
Variant type: single nucleotide variant.
Coding change: c.6698G>A on transcript NM_013275.6 (MANE Select); coding-DNA position 6698, G replaced by A.
Protein change: p.Gly2233Glu; replaces glycine 2233 with glutamic acid.
Molecular consequence: missense variant.
Genome position (GRCh38, 1-based): chr16:89,279,844, C>T on the plus strand (G>A on the coding strand, the complement: ANKRD11 is on the minus strand). VCF-style: chr16-89279844-C-T. GRCh37 (hg19) VCF-style: chr16-89346252-C-T.
Other names: c.6698G>A, p.Gly2233Glu (NM_001256182.2, NM_001256183.2); short protein forms G2233E.
Identifiers: ClinVar variation 589705 (VCV000589705.73), dbSNP rs570265865, ClinGen allele CA8241363.

ClinVar aggregate classification (germline): Benign/Likely benign. Review status: criteria provided, multiple submitters, no conflicts (2 of 4 stars). 6 submissions from 6 submitters: Benign (3); Likely benign (2). 1 of the submissions does not count toward it. Last evaluated 2026-01-29.

Conditions:
Inborn genetic diseases. Identifiers: MedGen C0950123, MeSH D030342.
ANKRD11-related disorder. Also called: ANKRD11-related condition.
KBG syndrome (KBGS). Also called: ANKRD11-Related KBG Syndrome. Identifiers: Orphanet 2332, MedGen C0220687, MONDO:0007846, OMIM 148050.

Allele frequency attached by ClinVar (database versions not stated): gnomAD 0.00015; gnomAD exomes 0.00016 and 0.00046; TOPMed 0.00018; 1000 Genomes Project 30x 0.00031; 1000 Genomes Project 0.00040; ExAC 0.00114.
gnomAD v4.1: 259 of 1,549,858 alleles (0.017%); highest among the groups gnomAD compares: Admixed American, 0.06%; 1 homozygote.

Submissions (6):

Labcorp Genetics (formerly Invitae), Labcorp
Classification: Benign for KBG syndrome. Last evaluated: 2026-01-29. Review status: criteria provided, single submitter. Criteria: Invitae Variant Classification Sherloc (09022015). Collection method: clinical testing. Allele origin: germline.

CeGaT Center for Human Genetics Tuebingen
Classification: Likely benign. Last evaluated: 2025-10-01. Review status: criteria provided, single submitter. Criteria: CeGaT Center For Human Genetics Tuebingen Variant Classification Criteria Version 2. Collection method: clinical testing. Allele origin: germline. Affected: yes. Observed: 2 variant alleles.
Comment: ANKRD11: BP4

Genome-Nilou Lab
Classification: Benign for KBG syndrome. Last evaluated: 2021-12-05. Review status: criteria provided, single submitter. Criteria: ACMG Guidelines, 2015. Collection method: clinical testing. Allele origin: germline. Affected: no.

GeneDx
Classification: Benign. Last evaluated: 2020-01-22. Review status: criteria provided, single submitter. Criteria: GeneDx Variant Classification Process June 2021. Collection method: clinical testing. Allele origin: germline. Affected: yes.

Ambry Genetics
Classification: Likely benign for Inborn genetic diseases. Last evaluated: 2018-05-21. Review status: criteria provided, single submitter. Criteria: Ambry Variant Classification Scheme 2023. Collection method: clinical testing. Allele origin: germline.

PreventionGenetics, part of Exact Sciences
Classification: Benign for ANKRD11-related condition. Last evaluated: 2019-11-12. Review status: no assertion criteria provided. Collection method: clinical testing. Allele origin: germline. Not counted in ClinVar's aggregate classification.
Comment: This variant is classified as benign based on ACMG/AMP sequence variant interpretation guidelines (Richards et al. 2015 PMID: 25741868, with internal and published modifications).